The following is an entry in ClinVar:

ClinVar aggregate classification (germline): Pathogenic. Review status: criteria provided, multiple submitters, no conflicts (2 of 4 stars). 4 submissions from 4 submitters: Pathogenic (4). Last evaluated 2025-01-19.

Conditions:
Hereditary nonpolyposis colorectal neoplasms. Identifiers: MedGen C0009405, MeSH D003123.
Hereditary cancer-predisposing syndrome. Also called: Hereditary neoplastic syndrome; Tumor predisposition; Hereditary Cancer Syndrome; Neoplastic Syndromes, Hereditary. Identifiers: Orphanet 140162, MedGen C0027672, MeSH D009386, MONDO:0015356.
Lynch syndrome 5 (LYNCH5). Also called: Hereditary non-polyposis colorectal cancer, type 5; Colorectal cancer, hereditary nonpolyposis, type 5. Identifiers: Orphanet 144, MedGen C1833477, MONDO:0013710, OMIM 614350. Disease mechanism: loss of function.

Submissions (4):

Labcorp Genetics (formerly Invitae), Labcorp
Classification: Pathogenic for Hereditary nonpolyposis colorectal neoplasms. Last evaluated: 2025-01-19. Review status: criteria provided, single submitter. Criteria: Invitae Variant Classification Sherloc (09022015). Collection method: clinical testing. Allele origin: germline.
Comment: This sequence change creates a premature translational stop signal (p.Pro802Argfs*9) in the MSH6 gene. It is expected to result in an absent or disrupted protein product. Loss-of-function variants in MSH6 are known to be pathogenic (PMID: 18269114, 24362816). This variant is not present in population databases (gnomAD no frequency). This variant has not been reported in the literature in individuals affected with MSH6-related conditions. For these reasons, this variant has been classified as Pathogenic.

Ambry Genetics
Classification: Pathogenic for Hereditary cancer-predisposing syndrome. Last evaluated: 2024-06-13. Review status: criteria provided, single submitter. Criteria: Ambry Variant Classification Scheme 2023. Collection method: clinical testing. Allele origin: germline.
Comment: The c.2287_2404dup pathogenic mutation, located in coding exon 4 of the MSH6 gene, results from a duplication of 118 nucleotides at position 2287, causing a translational frameshift with a predicted alternate stop codon (p.P802Rfs*9). This variant is considered to be rare based on population cohorts in the Genome Aggregation Database (gnomAD). This alteration is expected to result in loss of function by premature protein truncation or nonsense-mediated mRNA decay. As such, this alteration is interpreted as a disease-causing mutation.

Myriad Genetics, Inc.
Classification: Pathogenic for Lynch syndrome 5. Last evaluated: 2023-08-17. Review status: criteria provided, single submitter. Criteria: Myriad Autosomal Dominant, Autosomal Recessive and X-Linked Classification Criteria (2023). Collection method: clinical testing. Allele origin: unknown.
Comment: This variant is considered pathogenic. This variant creates a frameshift predicted to result in premature protein truncation.

Quest Diagnostics Nichols Institute San Juan Capistrano
Classification: Pathogenic. Last evaluated: 2023-07-19. Review status: criteria provided, single submitter. Criteria: Quest Diagnostics criteria. Collection method: clinical testing. Allele origin: unknown.
Comment: The MSH6 c.2287_2404dup (p.Pro802Argfs*9) variant alters the translational reading frame of the MSH6 mRNA and causes the premature termination of MSH6 protein synthesis. In the published literature, this variant has been reported in an individual with pancreatic cancer (PMID: 32933947 (2021)). This variant has not been reported in large, multi-ethnic general populations (Genome Aggregation Database). Based on the available information, this variant is classified as pathogenic.

Literature cited by the submitters: PubMed 18269114 (cited by Labcorp Genetics (formerly Invitae), Labcorp); PubMed 24362816 (cited by Labcorp Genetics (formerly Invitae), Labcorp); PubMed 32933947 (cited by Quest Diagnostics Nichols Institute San Juan Capistrano).

NM_000179.3(MSH6):c.2287_2404dup (p.Pro802delinsArgTyrLeuProTyrSerPheTrpTer)

Gene: MSH6 (mutS homolog 6; plus strand). Cytogenetic location: 2p16.3.
Variant type: Duplication.
Coding change: c.2287_2404dup on transcript NM_000179.3 (MANE Select); coding-DNA positions 2287 to 2404, 118 bases duplicated.
Protein change: p.Pro802delinsArgTyrLeuProTyrSerPheTrpTer.
Molecular consequence: nonsense. On other transcripts: frameshift variant (33).
Genome position (GRCh38, 1-based): chr2:47,800,270-47,800,387, 118 bases duplicated. GRCh37 (hg19): chr2:48,027,409-48,027,526.
Other names: c.1897_2014dup, p.Pro672delinsArgTyrLeuProTyrSerPheTrpTer (NM_001281492.2); c.1381_1498dup, p.Pro500delinsArgTyrLeuProTyrSerPheTrpTer (NM_001281493.2, NM_001281494.2); c.2383_2500dup, p.Pro834Argfs (NM_001406795.1, NM_001406802.1); c.2287_2404dup, p.Pro802Argfs (NM_001406796.1, NM_001406798.1, NM_001406800.1 and 2 more transcripts); c.1990_2107dup, p.Pro703Argfs (NM_001406797.1, NM_001406801.1, NM_001406805.1 and 10 more transcripts); c.1762_1879dup, p.Pro627Argfs (NM_001406799.1, NM_001406806.1, NM_001406807.1); c.2209_2326dup, p.Pro776Argfs (NM_001406804.1); c.1381_1498dup, p.Pro500Argfs (NM_001406811.1, NM_001406812.1, NM_001406814.1 and 4 more transcripts); and 2 more.
Identifiers: ClinVar variation 1948165 (VCV001948165.8), dbSNP rs2530662798, ClinGen allele CA2580067814.